The following is an entry in ClinVar:

NM_001379200.1(TBX1):c.200C>T (p.Pro67Leu)

Gene: TBX1 (T-box transcription factor 1; plus strand). Cytogenetic location: 22q11.21.
Variant type: single nucleotide variant.
Coding change: c.200C>T on transcript NM_001379200.1 (MANE Select); coding-DNA position 200, C replaced by T.
Protein change: p.Pro67Leu; replaces proline 67 with leucine.
Molecular consequence: missense variant.
Genome position (GRCh38, 1-based): chr22:19,761,043, C>T. VCF-style: chr22-19761043-C-T. GRCh37 (hg19) VCF-style: chr22-19748566-C-T.
Other names: c.173C>T, p.Pro58Leu (NM_005992.1, NM_080646.2, NM_080647.1); short protein forms P58L, P67L.
Identifiers: ClinVar variation 1349976 (VCV001349976.10), dbSNP rs1936641756, ClinGen allele CA410681362.

ClinVar aggregate classification (germline): Uncertain significance. Review status: criteria provided, multiple submitters, no conflicts (2 of 4 stars). 2 submissions from 2 submitters: Uncertain significance (2). Last evaluated 2025-07-21.

Conditions:
Cardiovascular phenotype. Identifiers: MedGen CN230736.
DiGeorge syndrome. Also called: THIRD AND FOURTH PHARYNGEAL POUCH SYNDROME; Catch22. Identifiers: Orphanet 567, MedGen C0012236, MONDO:0008564, OMIM 188400.

Allele frequency attached by ClinVar (database versions not stated): gnomAD 0.00001; TOPMed 0.00005.
gnomAD v4.1: 1 of 889,180 alleles (0.00011%); highest among the groups gnomAD compares: Admixed American, 0.0064%; no homozygotes.

Submissions (2):

Ambry Genetics
Classification: Uncertain significance for Cardiovascular phenotype. Last evaluated: 2025-07-21. Review status: criteria provided, single submitter. Criteria: Ambry Variant Classification Scheme 2023. Collection method: clinical testing. Allele origin: germline.
Comment: The p.P58L variant (also known as c.173C>T), located in coding exon 2 of the TBX1 gene, results from a C to T substitution at nucleotide position 173. The proline at codon 58 is replaced by leucine, an amino acid with similar properties. This amino acid position is conserved. In addition, this alteration is predicted to be tolerated by in silico analysis. Since supporting evidence is limited at this time, the clinical significance of this alteration remains unclear.

Labcorp Genetics (formerly Invitae), Labcorp
Classification: Uncertain significance for DiGeorge syndrome. Last evaluated: 2024-07-05. Review status: criteria provided, single submitter. Criteria: Invitae Variant Classification Sherloc (09022015). Collection method: clinical testing. Allele origin: germline.
Comment: This sequence change replaces proline, which is neutral and non-polar, with leucine, which is neutral and non-polar, at codon 58 of the TBX1 protein (p.Pro58Leu). The frequency data for this variant in the population databases is considered unreliable, as metrics indicate insufficient coverage at this position in the gnomAD database. This variant has not been reported in the literature in individuals affected with TBX1-related conditions. ClinVar contains an entry for this variant (Variation ID: 1349976). Advanced modeling of protein sequence and biophysical properties (such as structural, functional, and spatial information, amino acid conservation, physicochemical variation, residue mobility, and thermodynamic stability) performed at Invitae indicates that this missense variant is not expected to disrupt TBX1 protein function with a negative predictive value of 80%. In summary, the available evidence is currently insufficient to determine the role of this variant in disease. Therefore, it has been classified as a Variant of Uncertain Significance.